The following is an entry in ClinVar:

NM_000053.4(ATP7B):c.1049C>T (p.Pro350Leu)

Gene: ATP7B (ATPase copper transporting beta; minus strand). Cytogenetic location: 13q14.3.
Variant type: single nucleotide variant.
Coding change: c.1049C>T on transcript NM_000053.4 (MANE Select); coding-DNA position 1049, C replaced by T.
Protein change: p.Pro350Leu; replaces proline 350 with leucine.
Molecular consequence: missense variant. On other transcripts: intron variant (1).
Genome position (GRCh38, 1-based): chr13:51,974,171, G>A on the plus strand (C>T on the coding strand, the complement: ATP7B is on the minus strand). VCF-style: chr13-51974171-G-A. GRCh37 (hg19) VCF-style: chr13-52548307-G-A.
Other names: c.1049C>T, p.Pro350Leu (NM_001005918.3, NM_001330578.2, NM_001330579.2); c.803-87C>T (NM_001243182.2); short protein forms P350L.
Identifiers: ClinVar variation 861197 (VCV000861197.13), dbSNP rs201855906, ClinGen allele CA6989449.

ClinVar aggregate classification (germline): Conflicting classifications of pathogenicity. Review status: criteria provided, conflicting classifications (1 of 4 stars). 9 submissions from 9 submitters: Uncertain significance (6); Likely benign (1). 2 of the submissions do not count toward it. Last evaluated 2026-01-28.

Conditions:
ATP7B-related disorder. Also called: ATP7B-related condition.
Wilson disease (WND). Also called: Wilson's disease. Identifiers: Orphanet 905, MedGen C0019202, MONDO:0010200, OMIM 277900. Disease mechanism: loss of function.

Allele frequency attached by ClinVar (database versions not stated): gnomAD 0.00001 and 0.00002; TOPMed 0.00001; ExAC 0.00002; 1000 Genomes Project 30x 0.00016; 1000 Genomes Project 0.00020.
gnomAD v4.1: 39 of 1,614,034 alleles (0.0024%); highest among the groups gnomAD compares: Middle Eastern, 0.016%; no homozygotes.

Submissions (9):

Dasa
Classification: Uncertain significance for Wilson disease. Last evaluated: 2026-01-28. Review status: criteria provided, single submitter. Criteria: DASA Assertion Criteria. Collection method: clinical testing. Allele origin: germline.
Comment: NM_000053.4(ATP7B):c.1049C>T (p.Pro350Leu) is a missense variant that results in the substitution of proline with leucine. This variant is rare in population databases. The currently available literature and clinical evidence are not sufficient to establish a definitive association between this variant and the reported condition. Therefore, this variant is classified as a variant of uncertain significance.

Color Diagnostics, LLC DBA Color Health
Classification: Likely benign for Wilson disease. Last evaluated: 2025-06-19. Review status: criteria provided, single submitter. Criteria: ACMG Guidelines, 2015. Collection method: clinical testing. Allele origin: germline.

GeneDx
Classification: Uncertain significance. Last evaluated: 2024-09-20. Review status: criteria provided, single submitter. Criteria: GeneDx Variant Classification Process June 2021. Collection method: clinical testing. Allele origin: germline. Affected: yes.
Comment: Not observed at significant frequency in large population cohorts (gnomAD); In silico analysis indicates that this missense variant does not alter protein structure/function; Has not been previously published as pathogenic or benign to our knowledge

Blueprint Genetics
Classification: Uncertain significance. Last evaluated: 2024-09-13. Review status: criteria provided, single submitter. Criteria: ACMG Guidelines, 2015. Collection method: clinical testing. Allele origin: germline.

Labcorp Genetics (formerly Invitae), Labcorp
Classification: Uncertain significance for Wilson disease. Last evaluated: 2022-10-24. Review status: criteria provided, single submitter. Criteria: Invitae Variant Classification Sherloc (09022015). Collection method: clinical testing. Allele origin: germline.
Comment: This sequence change replaces proline, which is neutral and non-polar, with leucine, which is neutral and non-polar, at codon 350 of the ATP7B protein (p.Pro350Leu). This variant is present in population databases (rs201855906, gnomAD 0.01%). This variant has not been reported in the literature in individuals affected with ATP7B-related conditions. ClinVar contains an entry for this variant (Variation ID: 861197). Advanced modeling of protein sequence and biophysical properties (such as structural, functional, and spatial information, amino acid conservation, physicochemical variation, residue mobility, and thermodynamic stability) performed at Invitae indicates that this missense variant is not expected to disrupt ATP7B protein function. In summary, the available evidence is currently insufficient to determine the role of this variant in disease. Therefore, it has been classified as a Variant of Uncertain Significance.

Fulgent Genetics
Classification: Uncertain significance for Wilson disease. Last evaluated: 2022-01-01. Review status: criteria provided, single submitter. Criteria: ACMG Guidelines, 2015. Collection method: clinical testing. Allele origin: unknown.

Laboratorio de Genetica e Diagnostico Molecular, Hospital Israelita Albert Einstein
Classification: Uncertain significance. Last evaluated: 2021-11-23. Review status: criteria provided, single submitter. Criteria: ACMG Guidelines, 2015. Collection method: clinical testing. Allele origin: germline. Affected: yes.
Comment: ACMG classification criteria: PM2, BP4

PreventionGenetics, part of Exact Sciences
Classification: Uncertain significance for ATP7B-related condition. Last evaluated: 2024-08-22. Review status: no assertion criteria provided. Collection method: clinical testing. Allele origin: germline. Not counted in ClinVar's aggregate classification.
Comment: The ATP7B c.1049C>T variant is predicted to result in the amino acid substitution p.Pro350Leu. To our knowledge, this variant has not been reported in the literature. This variant is reported in 0.013% of alleles in individuals of South Asian descent in gnomAD. At this time, the clinical significance of this variant is uncertain due to the absence of conclusive functional and genetic evidence.

Natera, Inc.
Classification: Uncertain significance for Wilson disease. Last evaluated: 2020-09-16. Review status: no assertion criteria provided. Collection method: clinical testing. Allele origin: germline. Not counted in ClinVar's aggregate classification.